The following is an entry in ClinVar:

NM_025137.4(SPG11):c.1184A>G (p.Gln395Arg)

Gene: SPG11 (SPG11 vesicle trafficking associated, spatacsin; minus strand). Cytogenetic location: 15q21.1.
Variant type: single nucleotide variant.
Coding change: c.1184A>G on transcript NM_025137.4 (MANE Select); coding-DNA position 1184, A replaced by G.
Protein change: p.Gln395Arg; replaces glutamine 395 with arginine.
Molecular consequence: missense variant.
Genome position (GRCh38, 1-based): chr15:44,651,763, T>C on the plus strand (A>G on the coding strand, the complement: SPG11 is on the minus strand). VCF-style: chr15-44651763-T-C. GRCh37 (hg19) VCF-style: chr15-44943961-T-C.
Other names: c.1184A>G, p.Gln395Arg (NM_001160227.2); short protein forms Q395R.
Identifiers: ClinVar variation 406533 (VCV000406533.7), dbSNP rs758480359, ClinGen allele CA7535597.
Genomic context (GRCh38, chr15:44,651,763, plus strand): 5'-ATTTTCCATGATCTTCCTGGATCACTGGTCTTGGCATGATCTTTCTGTAGAACATTATAT[T>C]GCCCATGCATTATGTCCTGTGGAATGAAGGCCCAGCTCTGCACACTTGTACTGTGGTTAC-3'
Protein context (NP_079413.3, residues 385-405): AFIPQDIMHG[Gln395Arg]YNVLQKDHAK

ClinVar aggregate classification (germline): Uncertain significance. Review status: criteria provided, multiple submitters, no conflicts (2 of 4 stars). 2 submissions from 2 submitters: Uncertain significance (2). Last evaluated 2025-04-10.

Conditions:
Inborn genetic diseases. Identifiers: MedGen C0950123, MeSH D030342.
Hereditary spastic paraplegia 11. Also called: Spastic Paraplegia 11; Spastic paraplegia, mental retardation and thin corpus callosum; Nakamura Osame syndrome; Autosomal recessive hereditary spastic paraplegia, mental impairment, and thin corpus callosum; SPASTIC PARAPLEGIA, AUTOSOMAL RECESSIVE, COMPLICATED, WITH THIN CORPUS CALLOSUM; SPASTIC PARAPLEGIA, AUTOSOMAL RECESSIVE, WITH MENTAL IMPAIRMENT AND THIN CORPUS CALLOSUM. Identifiers: Orphanet 2822, MedGen C1858479, MONDO:0011445, OMIM 604360.

Allele frequency attached by ClinVar (database versions not stated): gnomAD exomes below 0.00001; ExAC 0.00001.
gnomAD v4.1: 2 of 1,614,244 alleles (0.00012%); highest among the groups gnomAD compares: Non-Finnish European, 0.00017%; no homozygotes.

Submissions (2):

Ambry Genetics
Classification: Uncertain significance for Inborn genetic diseases. Last evaluated: 2025-04-10. Review status: criteria provided, single submitter. Criteria: Ambry Variant Classification Scheme 2023. Collection method: clinical testing. Allele origin: germline.

Labcorp Genetics (formerly Invitae), Labcorp
Classification: Uncertain significance for Hereditary spastic paraplegia 11. Last evaluated: 2022-09-07. Review status: criteria provided, single submitter. Criteria: Invitae Variant Classification Sherloc (09022015). Collection method: clinical testing. Allele origin: germline.
Comment: This sequence change replaces glutamine, which is neutral and polar, with arginine, which is basic and polar, at codon 395 of the SPG11 protein (p.Gln395Arg). This variant is present in population databases (rs758480359, gnomAD 0.0009%). This variant has not been reported in the literature in individuals affected with SPG11-related conditions. ClinVar contains an entry for this variant (Variation ID: 406533). Algorithms developed to predict the effect of missense changes on protein structure and function output the following: SIFT: "Tolerated"; PolyPhen-2: "Benign"; Align-GVGD: "Class C0". The arginine amino acid residue is found in multiple mammalian species, which suggests that this missense change does not adversely affect protein function. In summary, the available evidence is currently insufficient to determine the role of this variant in disease. Therefore, it has been classified as a Variant of Uncertain Significance.